The following is an entry in ClinVar:

ClinVar aggregate classification (germline): Uncertain significance (1 of 4 stars; one submission).

Conditions:
Heterotopia, periventricular, X-linked dominant (PVNH1). Also called: PERIVENTRICULAR NODULAR HETEROTOPIA 4; HETEROTOPIA, PERIVENTRICULAR, 1; PERIVENTRICULAR NODULAR HETEROTOPIA 1; X-linked periventricular heterotopia. Identifiers: Orphanet 2149, Orphanet 82004, MedGen C1848213, MONDO:0010233, OMIM 300049.
Oto-palato-digital syndrome, type II (OPD2). Also called: Otopalatodigital Syndrome, Type II; FACIOPALATOOSSEOUS SYNDROME; OPD II SYNDROME; Otopalatodigital Syndrome Type 2 (FLNA-OPD2). Identifiers: Orphanet 669, Orphanet 90652, MedGen C1844696, MONDO:0010571, OMIM 304120.
Melnick-Needles syndrome (MNS). Also called: MELNICK-NEEDLES OSTEODYSPLASTY; OSTEODYSPLASTY OF MELNICK AND NEEDLES; Melnick-Needles Syndrome (FLNA-MNS). Identifiers: Orphanet 2484, MedGen C0025237, MONDO:0010650, OMIM 309350.
Frontometaphyseal dysplasia (FMD1). Identifiers: Orphanet 1826, MedGen C0265293, MONDO:0015942.

gnomAD v4.1: 9 of 1,209,981 alleles (0.00074%); highest among the groups gnomAD compares: Non-Finnish European, 0.001%; no homozygotes.

Submission:

Labcorp Genetics (formerly Invitae), Labcorp
Classification: Uncertain significance for Oto-palato-digital syndrome, type II; Heterotopia, periventricular, X-linked dominant; Frontometaphyseal dysplasia; Melnick-Needles syndrome. Last evaluated: 2025-05-26. Review status: criteria provided, single submitter. Criteria: Invitae Variant Classification Sherloc (09022015). Collection method: clinical testing. Allele origin: germline.
Comment: This sequence change replaces valine, which is neutral and non-polar, with methionine, which is neutral and non-polar, at codon 2601 of the FLNA protein (p.Val2601Met). This variant is not present in population databases (gnomAD no frequency). This variant has not been reported in the literature in individuals affected with FLNA-related conditions. Invitae Evidence Modeling of protein sequence and biophysical properties (such as structural, functional, and spatial information, amino acid conservation, physicochemical variation, residue mobility, and thermodynamic stability) indicates that this missense variant is not expected to disrupt FLNA protein function with a negative predictive value of 95%. In summary, the available evidence is currently insufficient to determine the role of this variant in disease. Therefore, it has been classified as a Variant of Uncertain Significance.

NM_001110556.2(FLNA):c.7825G>A (p.Val2609Met)

Genes: FLNA (filamin A; minus strand), LOC107988032 (Xq28 proximal FLNA-EMD recombination region; plus strand). Cytogenetic location: Xq28.
Variant type: single nucleotide variant.
Coding change: c.7825G>A on transcript NM_001110556.2 (MANE Select); coding-DNA position 7825, G replaced by A.
Protein change: p.Val2609Met; replaces valine 2609 with methionine.
Molecular consequence: missense variant.
Genome position (GRCh38, 1-based): chrX:154,348,968, C>T on the plus strand (G>A on the coding strand, the complement: FLNA is on the minus strand). VCF-style: chrX-154348968-C-T. GRCh37 (hg19) VCF-style: chrX-153577336-C-T.
Other names: c.7801G>A, p.Val2601Met (NM_001456.4); short protein forms V2609M, V2601M.
Identifiers: ClinVar variation 4782972 (VCV004782972.1).